The following is an entry in ClinVar:

ClinVar aggregate classification (germline): Pathogenic (1 of 4 stars; one submission).

Conditions:
Catecholaminergic polymorphic ventricular tachycardia 1. Also called: RYR2-Related Catecholaminergic Polymorphic Ventricular Tachycardia; VENTRICULAR TACHYCARDIA, CATECHOLAMINERGIC POLYMORPHIC, 1, WITH OR WITHOUT ATRIAL DYSFUNCTION AND/OR DILATED CARDIOMYOPATHY; VENTRICULAR TACHYCARDIA, STRESS-INDUCED POLYMORPHIC 1. Identifiers: Orphanet 3286, MedGen C1631597, MONDO:0011484, OMIM 604772.

Submission:

Labcorp Genetics (formerly Invitae), Labcorp
Classification: Pathogenic for Catecholaminergic polymorphic ventricular tachycardia 1. Last evaluated: 2021-07-15. Review status: criteria provided, single submitter. Criteria: Invitae Variant Classification Sherloc (09022015). Collection method: clinical testing. Allele origin: germline.
Comment: For these reasons, this variant has been classified as Pathogenic. Advanced modeling of protein sequence and biophysical properties (such as structural, functional, and spatial information, amino acid conservation, physicochemical variation, residue mobility, and thermodynamic stability) performed at Invitae indicates that this missense variant is expected to disrupt RYR2 protein function. This variant has been observed in individual(s) with catecholaminergic polymorphic ventricular tachycardia (PMID: 29668588). In at least one individual the variant was observed to be de novo. This variant is not present in population databases (ExAC no frequency). This sequence change replaces leucine with tryptophan at codon 2527 of the RYR2 protein (p.Leu2527Trp). The leucine residue is highly conserved and there is a small physicochemical difference between leucine and tryptophan.

Literature cited by the submitters: PubMed 29668588.

NM_001035.3(RYR2):c.7580T>G (p.Leu2527Trp)

Gene: RYR2 (ryanodine receptor 2; plus strand). Cytogenetic location: 1q43.
Variant type: single nucleotide variant.
Coding change: c.7580T>G on transcript NM_001035.3 (MANE Select); coding-DNA position 7580, T replaced by G.
Protein change: p.Leu2527Trp; replaces leucine 2527 with tryptophan.
Molecular consequence: missense variant.
Genome position (GRCh38, 1-based): chr1:237,649,944, T>G. VCF-style: chr1-237649944-T-G. GRCh37 (hg19) VCF-style: chr1-237813244-T-G.
Other names: short protein forms L2527W.
Identifiers: ClinVar variation 1383749 (VCV001383749.9), dbSNP rs1682561583, ClinGen allele CA345399118.